The following is an entry in ClinVar:

NM_021098.3(CACNA1H):c.3691C>G (p.Arg1231Gly)

Gene: CACNA1H (calcium voltage-gated channel subunit alpha1 H; plus strand). Cytogenetic location: 16p13.3.
Variant type: single nucleotide variant.
Coding change: c.3691C>G on transcript NM_021098.3 (MANE Select); coding-DNA position 3691, C replaced by G.
Protein change: p.Arg1231Gly; replaces arginine 1231 with glycine.
Molecular consequence: missense variant.
Genome position (GRCh38, 1-based): chr16:1,209,359, C>G. VCF-style: chr16-1209359-C-G. GRCh37 (hg19) VCF-style: chr16-1259359-C-G.
Other names: c.3691C>G, p.Arg1231Gly (NM_001005407.2); short protein forms R1231G.
Identifiers: ClinVar variation 3376083 (VCV003376083.1).

ClinVar aggregate classification (germline): Uncertain significance (1 of 4 stars; one submission).

Submission:

GeneDx
Classification: Uncertain significance. Last evaluated: 2024-05-03. Review status: criteria provided, single submitter. Criteria: GeneDx Variant Classification Process June 2021. Collection method: clinical testing. Allele origin: germline. Affected: yes.
Comment: Not observed at significant frequency in large population cohorts (gnomAD); In silico analysis supports that this missense variant has a deleterious effect on protein structure/function; Has not been previously published as pathogenic or benign to our knowledge